The following is an entry in ClinVar:

NM_001845.6(COL4A1):c.3831C>T (p.Pro1277=)

Gene: COL4A1 (collagen type IV alpha 1 chain; minus strand). Cytogenetic location: 13q34.
Variant type: single nucleotide variant.
Coding change: c.3831C>T on transcript NM_001845.6 (MANE Select); coding-DNA position 3831, C replaced by T.
Protein change: p.Pro1277=; no amino-acid change (proline 1277 retained).
Molecular consequence: synonymous variant.
Genome position (GRCh38, 1-based): chr13:110,169,674, G>A on the plus strand (C>T on the coding strand, the complement: COL4A1 is on the minus strand). VCF-style: chr13-110169674-G-A. GRCh37 (hg19) VCF-style: chr13-110822021-G-A.
Other names: c.3831C>T (NM_001845.5).
Identifiers: ClinVar variation 1530631 (VCV001530631.33), dbSNP rs779198670, ClinGen allele CA7047132.

ClinVar aggregate classification (germline): Likely benign. Review status: criteria provided, multiple submitters, no conflicts (2 of 4 stars). 4 submissions from 4 submitters: Likely benign (3). 1 of the submissions does not count toward it. Last evaluated 2025-11-19.

Conditions:
COL4A1-related disorder. Also called: COL4A1-related condition; COL4A1-related disorders. Identifiers: MedGen CN376119, MONDO:0800461.
Hemorrhage, intracerebral, susceptibility to (ICH). Also called: Stroke, hemorrhagic, susceptibility to. Identifiers: MedGen C3281105, MONDO:0100533, OMIM 614519.
Autosomal dominant familial hematuria-retinal arteriolar tortuosity-contractures syndrome. Also called: Hereditary Angiopathy with Nephropathy, Aneurysms, and Muscle Cramps (HANAC) Syndrome; Angiopathy, hereditary, with nephropathy, aneurysms, and muscle cramps. Identifiers: Orphanet 73229, MedGen C2673195, MONDO:0012726, OMIM 611773.
Brain small vessel disease 1 with or without ocular anomalies (BSVD1). Also called: BRAIN SMALL VESSEL DISEASE WITH HEMORRHAGE; Brain small vessel disease with or without ocular anomalies; PORENCEPHALY, TYPE 1, AUTOSOMAL DOMINANT; GOULD SYNDROME 1. Identifiers: Orphanet 2940, Orphanet 36383, Orphanet 99810, MedGen C4755307, MONDO:0008289, OMIM 175780.
Retinal arterial tortuosity. Also called: Retinal arteries, tortuosity of; RETINAL HEMORRHAGE WITH VASCULAR TORTUOSITY. Identifiers: Orphanet 75326, MedGen C0423401, MONDO:0008373, OMIM 180000, HP:0000631.
Microangiopathy and leukoencephalopathy, pontine, autosomal dominant. Also called: Pontine autosomal dominant microangiopathy with leukoencephalopathy; DEMENTIA, HEREDITARY MULTI-INFARCT, SWEDISH TYPE. Identifiers: Orphanet 477749, MedGen C5231411, MONDO:0032814, OMIM 618564.

Allele frequency attached by ClinVar (database versions not stated): gnomAD 0.00002 and 0.00003; gnomAD exomes 0.00004 and 0.00010; ExAC 0.00011.
gnomAD v4.1: 68 of 1,614,068 alleles (0.0042%); highest among the groups gnomAD compares: Admixed American, 0.023%; no homozygotes.

Submissions (4):

Labcorp Genetics (formerly Invitae), Labcorp
Classification: Likely benign. Last evaluated: 2025-11-19. Review status: criteria provided, single submitter. Criteria: Invitae Variant Classification Sherloc (09022015). Collection method: clinical testing. Allele origin: germline.

CeGaT Center for Human Genetics Tuebingen
Classification: Likely benign. Last evaluated: 2025-11-01. Review status: criteria provided, single submitter. Criteria: CeGaT Center For Human Genetics Tuebingen Variant Classification Criteria Version 2. Collection method: clinical testing. Allele origin: germline. Affected: yes. Observed: 2 variant alleles.
Comment: COL4A1: BP4, BP7

Fulgent Genetics
Classification: Likely benign for Brain small vessel disease 1 with or without ocular anomalies; Retinal arterial tortuosity; Autosomal dominant familial hematuria-retinal arteriolar tortuosity-contractures syndrome; Hemorrhage, intracerebral, susceptibility to; Microangiopathy and leukoencephalopathy, pontine, autosomal dominant. Last evaluated: 2022-04-15. Review status: criteria provided, single submitter. Criteria: ACMG Guidelines, 2015. Collection method: clinical testing. Allele origin: unknown.

PreventionGenetics, part of Exact Sciences
Classification: Likely benign for COL4A1-related condition. Last evaluated: 2019-08-20. Review status: no assertion criteria provided. Collection method: clinical testing. Allele origin: germline. Not counted in ClinVar's aggregate classification.
Comment: This variant is classified as likely benign based on ACMG/AMP sequence variant interpretation guidelines (Richards et al. 2015 PMID: 25741868, with internal and published modifications).